The following is an entry in ClinVar:

NM_000815.5(GABRD):c.899C>T (p.Ser300Phe)

Gene: GABRD (gamma-aminobutyric acid type A receptor subunit delta; plus strand). Cytogenetic location: 1p36.33.
Variant type: single nucleotide variant.
Coding change: c.899C>T on transcript NM_000815.5 (MANE Select); coding-DNA position 899, C replaced by T.
Protein change: p.Ser300Phe; replaces serine 300 with phenylalanine.
Molecular consequence: missense variant.
Genome position (GRCh38, 1-based): chr1:2,029,602, C>T. VCF-style: chr1-2029602-C-T. GRCh37 (hg19) VCF-style: chr1-1961041-C-T.
Other names: short protein forms S300F.
Identifiers: ClinVar variation 3250841 (VCV003250841.18), dbSNP rs2525646183.

ClinVar aggregate classification (germline): Uncertain significance (1 of 4 stars; one submission).

Submission:

CeGaT Center for Human Genetics Tuebingen
Classification: Uncertain significance. Last evaluated: 2024-06-01. Review status: criteria provided, single submitter. Criteria: CeGaT Center For Human Genetics Tuebingen Variant Classification Criteria Version 2. Collection method: clinical testing. Allele origin: germline. Affected: yes. Observed: 1 variant allele.
Comment: GABRD: PM2, PP3